The following is an entry in ClinVar:

NM_173660.5(DOK7):c.54+28G>T

Gene: DOK7 (docking protein 7; plus strand). Cytogenetic location: 4p16.3.
Variant type: single nucleotide variant.
Coding change: c.54+28G>T on transcript NM_173660.5 (MANE Select); 28 bases into the intron after coding-DNA position 54, G replaced by T.
Molecular consequence: intron variant.
Genome position (GRCh38, 1-based): chr4:3,463,457, G>T. VCF-style: chr4-3463457-G-T. GRCh37 (hg19) VCF-style: chr4-3465184-G-T.
Other names: c.54+28G>T (NM_001301071.2, NM_001363811.2, NM_001164673.2).
Identifiers: ClinVar variation 976516 (VCV000976516.13), dbSNP rs772575255, ClinGen allele CA2828843.

ClinVar aggregate classification (germline): Likely benign. Review status: criteria provided, single submitter (1 of 4 stars). 2 submissions from 2 submitters: Likely benign (1). 1 of the submissions does not count toward it. Last evaluated 2026-02-01.

Conditions:
Fetal akinesia deformation sequence 1 (FADS1). Also called: Pena-Shokeir syndrome type I; Fetal akinesia sequence. Identifiers: Orphanet 994, MedGen C1276035, MONDO:0100101, OMIM 208150, HP:0001989.
Congenital myasthenic syndrome 10. Also called: Myasthenia, limb-girdle, familial. Identifiers: Orphanet 590, MedGen C1850792, MONDO:0009690, OMIM 254300.
DOK7-related disorder. Also called: DOK7-related condition.

Allele frequency attached by ClinVar (database versions not stated): 1000 Genomes Project 30x 0.00016.
gnomAD v4.1: 234 of 1,422,816 alleles (0.016%); highest among the groups gnomAD compares: East Asian, 0.05%; 3 homozygotes.

Submissions (2):

Labcorp Genetics (formerly Invitae), Labcorp
Classification: Likely benign for Congenital myasthenic syndrome 10; Fetal akinesia deformation sequence 1. Last evaluated: 2026-02-01. Review status: criteria provided, single submitter. Criteria: Invitae Variant Classification Sherloc (09022015). Collection method: clinical testing. Allele origin: germline.

PreventionGenetics, part of Exact Sciences
Classification: Likely benign for DOK7-related condition. Last evaluated: 2022-04-06. Review status: no assertion criteria provided. Collection method: clinical testing. Allele origin: germline. Not counted in ClinVar's aggregate classification.
Comment: This variant is classified as likely benign based on ACMG/AMP sequence variant interpretation guidelines (Richards et al. 2015 PMID: 25741868, with internal and published modifications).